The following is an entry in ClinVar:

ClinVar aggregate classification (germline): Uncertain significance (1 of 4 stars; one submission).

Conditions:
Epidermolysis bullosa simplex 3, localized or generalized intermediate, with BP230 deficiency (EBS3). Also called: Epidermolysis bullosa simplex due to BP230 deficiency; Epidermolysis bullosa simplex, autosomal recessive 2. Identifiers: Orphanet 412181, MedGen C3809470, MONDO:0014180, OMIM 615425.
Hereditary sensory and autonomic neuropathy type 6. Also called: Neuropathy, hereditary sensory and autonomic, type VI; HSAN VI. Identifiers: Orphanet 314381, MedGen C3539003, MONDO:0013839, OMIM 614653.

Allele frequency attached by ClinVar (database versions not stated): gnomAD 0.00001; gnomAD exomes 0.00001.
gnomAD v4.1: 4 of 1,613,716 alleles (0.00025%); highest among the groups gnomAD compares: Admixed American, 0.0067%; no homozygotes.

Submission:

Labcorp Genetics (formerly Invitae), Labcorp
Classification: Uncertain significance for Epidermolysis bullosa simplex 3, localized or generalized intermediate, with BP230 deficiency; Hereditary sensory and autonomic neuropathy type 6. Last evaluated: 2025-01-20. Review status: criteria provided, single submitter. Criteria: Invitae Variant Classification Sherloc (09022015). Collection method: clinical testing. Allele origin: germline.
Comment: This sequence change replaces phenylalanine, which is neutral and non-polar, with cysteine, which is neutral and slightly polar, at codon 2381 of the DST protein (p.Phe2381Cys). This variant is present in population databases (no rsID available, gnomAD 0.009%). This variant has not been reported in the literature in individuals affected with DST-related conditions. ClinVar contains an entry for this variant (Variation ID: 1495564). An algorithm developed to predict the effect of missense changes on protein structure and function (PolyPhen-2) suggests that this variant is likely to be tolerated. In summary, the available evidence is currently insufficient to determine the role of this variant in disease. Therefore, it has been classified as a Variant of Uncertain Significance.

NM_001723.7(DST):c.7142T>G (p.Phe2381Cys)

Gene: DST (dystonin; minus strand). Cytogenetic location: 6p12.1.
Variant type: single nucleotide variant.
Coding change: c.7142T>G on transcript NM_001723.7 (MANE Plus Clinical); coding-DNA position 7142, T replaced by G.
Protein change: p.Phe2381Cys; replaces phenylalanine 2381 with cysteine.
Molecular consequence: missense variant. On other transcripts: intron variant (10).
Genome position (GRCh38, 1-based): chr6:56,616,325, A>C on the plus strand (T>G on the coding strand, the complement: DST is on the minus strand). VCF-style: chr6-56616325-A-C. GRCh37 (hg19) VCF-style: chr6-56481123-A-C.
Other names: c.4831-1841T>G (NM_001144769.5); c.4930-1841T>G (NM_001374722.1, NM_001374736.1); c.4957-1841T>G (NM_001374734.1); c.4417-1841T>G (NM_001144770.2); c.4297-1841T>G (NM_001374730.1, NM_001386100.1, NM_183380.4 and 1 more transcripts); c.3319-1841T>G (NM_015548.5); short protein forms F2381C.
Identifiers: ClinVar variation 1495564 (VCV001495564.6), dbSNP rs1310996916, ClinGen allele CA364563624.
Genomic context (GRCh38, chr6:56,616,325, plus strand): 5'-AAGTGTAATCCTGTTTTAGTATCAGTCAGCATATGAGAAGAATGCCCATAGGATTCAAAA[A>C]ACATAGCTTCCTTCCACTGATATTGCTGCCCTGAAAGTTCAAGATATATACTTTTCTCAA-3'
Protein context (NP_001714.1, residues 2371-2391): GQQYQWKEAM[Phe2381Cys]FESYGHSSHM